The following is an entry in ClinVar:

ClinVar aggregate classification (germline): Uncertain significance. Review status: criteria provided, multiple submitters, no conflicts (2 of 4 stars). 2 submissions from 2 submitters: Uncertain significance (2). Last evaluated 2025-04-10.

Conditions:
Short-rib thoracic dysplasia 14 with polydactyly (SRTD14). Identifiers: Orphanet 397715, MedGen C4225286, MONDO:0014688, OMIM 616546.
Joubert syndrome 23 (JBTS23). Identifiers: Orphanet 475, MedGen C4084822, MONDO:0014664, OMIM 616490.
Inborn genetic diseases. Identifiers: MedGen C0950123, MeSH D030342.

Allele frequency attached by ClinVar (database versions not stated): 1000 Genomes Project 30x 0.00016; gnomAD exomes 0.00001.
gnomAD v4.1: 18 of 1,550,434 alleles (0.0012%); highest among the groups gnomAD compares: Non-Finnish European, 0.0015%; no homozygotes.

Submissions (2):

Ambry Genetics
Classification: Uncertain significance for Inborn genetic diseases. Last evaluated: 2025-04-10. Review status: criteria provided, single submitter. Criteria: Ambry Variant Classification Scheme 2023. Collection method: clinical testing. Allele origin: germline.

Labcorp Genetics (formerly Invitae), Labcorp
Classification: Uncertain significance for Joubert syndrome 23; Short-rib thoracic dysplasia 14 with polydactyly. Last evaluated: 2021-08-30. Review status: criteria provided, single submitter. Criteria: Invitae Variant Classification Sherloc (09022015). Collection method: clinical testing. Allele origin: germline.
Comment: This sequence change replaces histidine with leucine at codon 1358 of the KIAA0586 protein (p.His1358Leu). The histidine residue is moderately conserved and there is a moderate physicochemical difference between histidine and leucine. This variant is not present in population databases (ExAC no frequency). This variant has not been reported in the literature in individuals affected with KIAA0586-related conditions. Algorithms developed to predict the effect of missense changes on protein structure and function output the following: SIFT: "Deleterious"; PolyPhen-2: "Benign"; Align-GVGD: "Class C0". The leucine amino acid residue is found in multiple mammalian species, which suggests that this missense change does not adversely affect protein function. In summary, the available evidence is currently insufficient to determine the role of this variant in disease. Therefore, it has been classified as a Variant of Uncertain Significance.

NM_001329943.3(KIAA0586):c.3914A>T (p.His1305Leu)

Gene: KIAA0586 (KIAA0586; plus strand). Cytogenetic location: 14q23.1.
Variant type: single nucleotide variant.
Coding change: c.3914A>T on transcript NM_001329943.3 (MANE Select); coding-DNA position 3914, A replaced by T.
Protein change: p.His1305Leu; replaces histidine 1305 with leucine.
Molecular consequence: missense variant. On other transcripts: intron variant (1).
Genome position (GRCh38, 1-based): chr14:58,492,199, A>T. VCF-style: chr14-58492199-A-T. GRCh37 (hg19) VCF-style: chr14-58958917-A-T.
Other names: c.4073A>T, p.His1358Leu (NM_001244189.2); c.3869A>T, p.His1290Leu (NM_001244190.2); c.3659A>T, p.His1220Leu (NM_001244191.2, NM_001329945.2, NM_001364700.1 and 1 more transcripts); c.3782A>T, p.His1261Leu (NM_001244192.2); c.3494A>T, p.His1165Leu (NM_001244193.2); c.3914A>T, p.His1305Leu (NM_001329944.2, NM_001329946.2); c.3686A>T, p.His1229Leu (NM_014749.5); c.3858+1959A>T (NM_001329947.2); and 1 more; short protein forms H1165L, H1290L, H1220L, H1229L, H1261L, H1305L, H1358L.
Identifiers: ClinVar variation 1407080 (VCV001407080.7), dbSNP rs966912655, ClinGen allele CA261650042.
Genomic context (GRCh38, chr14:58,492,199, plus strand): 5'-TTTAGGAGGATGATCCTCCTAGTGAAGGGCAAGTGATTAGGATGTCCCATAAAAAATTTC[A>T]TGCAGATGCAATTCTTTCTTTTGCTAAACAAAACCAGGAGTCAGCAGTTTCCCAGCAAGC-3'
Protein context (NP_001316872.1, residues 1295-1315): QVIRMSHKKF[His1305Leu]ADAILSFAKQ